The following is an entry in ClinVar:

ClinVar aggregate classification (germline): Uncertain significance. Review status: criteria provided, multiple submitters, no conflicts (2 of 4 stars). 3 submissions from 3 submitters: Uncertain significance (3). Last evaluated 2025-07-31.

Conditions:
Hereditary cancer-predisposing syndrome. Also called: Neoplastic Syndromes, Hereditary; Tumor predisposition; Hereditary Cancer Syndrome; Hereditary neoplastic syndrome. Identifiers: Orphanet 140162, MedGen C0027672, MeSH D009386, MONDO:0015356.

Allele frequency attached by ClinVar (database versions not stated): gnomAD exomes below 0.00001; gnomAD 0.00001; TOPMed 0.00001.
gnomAD v4.1: 5 of 1,609,892 alleles (0.00031%); highest among the groups gnomAD compares: Non-Finnish European, 0.00043%; no homozygotes.

Submissions (3):

Labcorp Genetics (formerly Invitae), Labcorp
Classification: Uncertain significance. Last evaluated: 2025-07-31. Review status: criteria provided, single submitter. Criteria: Invitae Variant Classification Sherloc (09022015). Collection method: clinical testing. Allele origin: germline.
Comment: This sequence change affects codon 598 of the POLE mRNA. It is a 'silent' change, meaning that it does not change the encoded amino acid sequence of the POLE protein. This variant also falls at the last nucleotide of exon 16, which is part of the consensus splice site for this exon. This variant is present in population databases (no rsID available, gnomAD 0.007%). This variant has not been reported in the literature in individuals affected with POLE-related conditions. ClinVar contains an entry for this variant (Variation ID: 473486). Variants that disrupt the consensus splice site are a relatively common cause of aberrant splicing (PMID: 17576681, 9536098). Studies have shown that this variant is associated with inconclusive levels of altered splicing (internal data). In summary, the available evidence is currently insufficient to determine the role of this variant in disease. Therefore, it has been classified as a Variant of Uncertain Significance.

Ambry Genetics
Classification: Uncertain significance for Hereditary cancer-predisposing syndrome. Last evaluated: 2025-05-21. Review status: criteria provided, single submitter. Criteria: Ambry Variant Classification Scheme 2023. Collection method: clinical testing. Allele origin: germline.
Comment: The c.1794G>A variant (also known as p.E598E), located in coding exon 16 of the POLE gene, results from a G to A substitution at nucleotide position 1794. This nucleotide substitution does not change the glutamic acid at codon 598. However, this change occurs in the last base pair of coding exon 16, which makes it likely to have some effect on normal mRNA splicing. This nucleotide position is highly conserved in available vertebrate species. In silico splice site analysis predicts that this alteration may weaken the native splice donor site. Based on the available evidence, the clinical significance of this variant remains unclear.

GeneDx
Classification: Uncertain significance. Last evaluated: 2023-11-29. Review status: criteria provided, single submitter. Criteria: GeneDx Variant Classification Process June 2021. Collection method: clinical testing. Allele origin: germline. Affected: yes.
Comment: Not observed at significant frequency in large population cohorts (gnomAD); Has not been previously published as pathogenic or benign to our knowledge; In silico analysis is inconclusive as to whether the variant alters gene splicing. In the absence of RNA/functional studies, the actual effect of this sequence change is unknown.

Literature cited by the submitters: PubMed 17576681 (cited by Labcorp Genetics (formerly Invitae), Labcorp); PubMed 9536098 (cited by Labcorp Genetics (formerly Invitae), Labcorp).

NM_006231.4(POLE):c.1794G>A (p.Glu598=)

Gene: POLE (DNA polymerase epsilon, catalytic subunit; minus strand). Cytogenetic location: 12q24.33.
Variant type: single nucleotide variant.
Coding change: c.1794G>A on transcript NM_006231.4 (MANE Select); coding-DNA position 1794, G replaced by A.
Protein change: p.Glu598=; no amino-acid change (glutamic acid 598 retained).
Molecular consequence: synonymous variant.
Genome position (GRCh38, 1-based): chr12:132,672,215, C>T on the plus strand (G>A on the coding strand, the complement: POLE is on the minus strand). VCF-style: chr12-132672215-C-T. GRCh37 (hg19) VCF-style: chr12-133248801-C-T.
Identifiers: ClinVar variation 473486 (VCV000473486.13), dbSNP rs1379550837, ClinGen allele CA482722415.